The following is an entry in ClinVar:

NM_000202.8(IDS):c.935G>A (p.Gly312Asp)

Genes: IDS (iduronate 2-sulfatase; minus strand), LOC106050102 (IDS recombination region; plus strand). Cytogenetic location: Xq28.
Variant type: single nucleotide variant.
Coding change: c.935G>A on transcript NM_000202.8 (MANE Select); coding-DNA position 935, G replaced by A.
Protein change: p.Gly312Asp; replaces glycine 312 with aspartic acid.
Molecular consequence: missense variant. On other transcripts: non-coding transcript variant (1).
Genome position (GRCh38, 1-based): chrX:149,490,385, C>T on the plus strand (G>A on the coding strand, the complement: IDS is on the minus strand). VCF-style: chrX-149490385-C-T. GRCh37 (hg19) VCF-style: chrX-148571916-C-T.
Other names: c.665G>A, p.Gly222Asp (NM_001166550.4); c.935G>A, p.Gly312Asp (NM_006123.5); short protein forms G312D, G222D.
Identifiers: ClinVar variation 221213 (VCV000221213.4), dbSNP rs193302912, ClinGen allele CA349381.
Genomic context (GRCh38, chrX:149,490,385, plus strand): 5'-GTAAATGCAATGATGGTGCTGTTGGCCAGCTGAAGATCGTCCAAAGCACTCAAGAGGCGG[C>T]CGACCTGTGTATCCAAATATGACACAGAGGCAAAGTAGCTCTGGCGGATTTTCCGCTGCA-3'
Protein context (NP_000193.1, residues 302-322): ASVSYLDTQV[Gly312Asp]RLLSALDDLQ

ClinVar aggregate classification (germline): Pathogenic/Likely pathogenic. Review status: criteria provided, multiple submitters, no conflicts (2 of 4 stars). 2 submissions from 2 submitters: Pathogenic (1); Likely pathogenic (1). Last evaluated 2024-06-07.

Conditions:
Mucopolysaccharidosis, MPS-II (MPS2). Also called: Hunter Syndrome; Mucopolysaccharidosis with skin involvement; Mucopolysaccharidosis type 2; IDURONATE 2-SULFATASE DEFICIENCY; Mucopolysaccharidosis Type II; IDS deficiency. Identifiers: Orphanet 580, Orphanet 79388, MedGen C0026705, MONDO:0010674, OMIM 309900.

Submissions (2):

Laboratory of Diagnosis and Therapy of Lysosomal Disorders, University of Padova
Classification: Likely pathogenic for Mucopolysaccharidosis, MPS-II. Last evaluated: 2024-06-07. Review status: criteria provided, single submitter. Criteria: ACMG Guidelines, 2015. Collection method: literature only. Allele origin: germline. Affected: yes. Observed: 1 variant allele.
Comment: Absent from controls (or at low frequency) in gnomAD database (PM2_Moderate), Missense variant in a gene with a low rate of benign missense variation (PP2_Supporting), Multiple lines of computational evidence support a deleterious effect (PP3_Supporting), Patient’s phenotype or family history highly specific for the disease (PP4_Moderate)

Classification method: ACMG Guidelines [PMID:25741868] with modifications

IIFP, CONICET-UNLP
Classification: Pathogenic for Mucopolysaccharidosis, MPS-II. Last evaluated: 2010-10-21. Review status: criteria provided, single submitter. Criteria: ACMG Guidelines, 2007. Collection method: research. Allele origin: maternal. Inheritance: X-linked inheritance. Affected: yes. Observed: 1 variant allele.

Literature cited by the submitters: PubMed 27896113 (cited by Laboratory of Diagnosis and Therapy of Lysosomal Disorders, University of Padova); DOI 10.1016/j.ymgmr.2014.08.006 (cited by IIFP, CONICET-UNLP).